The following is an entry in ClinVar:

NM_001458.5(FLNC):c.11A>G (p.Asn4Ser)

Gene: FLNC (filamin C; plus strand). Cytogenetic location: 7q32.1.
Variant type: single nucleotide variant.
Coding change: c.11A>G on transcript NM_001458.5 (MANE Select); coding-DNA position 11, A replaced by G.
Protein change: p.Asn4Ser; replaces asparagine 4 with serine.
Molecular consequence: missense variant.
Genome position (GRCh38, 1-based): chr7:128,830,648, A>G. VCF-style: chr7-128830648-A-G. GRCh37 (hg19) VCF-style: chr7-128470702-A-G.
Other names: c.11A>G, p.Asn4Ser (NM_001127487.2); short protein forms N4S.
Identifiers: ClinVar variation 2937306 (VCV002937306.1), dbSNP rs2536604664, ClinGen allele CA369215383.

ClinVar aggregate classification (germline): Uncertain significance (1 of 4 stars; one submission).

Conditions:
Hypertrophic cardiomyopathy 26. Also called: Cardiomyopathy, familial hypertrophic, 26. Identifiers: Orphanet 75249, MedGen C4310749, MONDO:0014883, OMIM 617047.
Dilated Cardiomyopathy, Dominant.
Myofibrillar myopathy 5. Also called: Filaminopathy (type); FILAMINOPATHY, AUTOSOMAL DOMINANT. Identifiers: Orphanet 171445, MedGen C1836050, MONDO:0012289, OMIM 609524.
Distal myopathy with posterior leg and anterior hand involvement. Also called: WILLIAMS DISTAL MYOPATHY. Identifiers: Orphanet 63273, MedGen C3279722, MONDO:0013550, OMIM 614065.

Allele frequency attached by ClinVar (database versions not stated): gnomAD exomes below 0.00001.
gnomAD v4.1: 2 of 1,612,056 alleles (0.00012%); highest among the groups gnomAD compares: Non-Finnish European, 0.00017%; no homozygotes.

Submission:

Labcorp Genetics (formerly Invitae), Labcorp
Classification: Uncertain significance for Distal myopathy with posterior leg and anterior hand involvement; Myofibrillar myopathy 5; Hypertrophic cardiomyopathy 26. Last evaluated: 2023-06-19. Review status: criteria provided, single submitter. Criteria: Invitae Variant Classification Sherloc (09022015). Collection method: clinical testing. Allele origin: germline.
Comment: In summary, the available evidence is currently insufficient to determine the role of this variant in disease. Therefore, it has been classified as a Variant of Uncertain Significance. An algorithm developed to predict the effect of missense changes on protein structure and function (PolyPhen-2) suggests that this variant¬†is likely to be tolerated. This variant has not been reported in the literature in individuals affected with FLNC-related conditions. This variant is not present in population databases (gnomAD no frequency). This sequence change replaces asparagine, which is neutral and polar, with serine, which is neutral and polar, at codon 4 of the FLNC protein (p.Asn4Ser).